The following is an entry in ClinVar:

ClinVar aggregate classification (germline): Likely benign. Review status: criteria provided, multiple submitters, no conflicts (2 of 4 stars). 2 submissions from 2 submitters: Likely benign (2). Last evaluated 2018-06-19.

Allele frequency attached by ClinVar (database versions not stated): gnomAD 0.01267 and 0.01192; TOPMed 0.01355; 1000 Genomes Project 0.02236; 1000 Genomes Project 30x 0.02295.
gnomAD v4.1: 1,922 of 152,272 alleles (1.3%); highest among the groups gnomAD compares: East Asian, 6.6%; 44 homozygotes.

Submissions (2):

GeneDx
Classification: Likely benign. Last evaluated: 2018-06-19. Review status: criteria provided, single submitter. Criteria: GeneDx Variant Classification (06012015). Collection method: clinical testing. Allele origin: germline. Affected: yes.
Comment: This variant is considered likely benign or benign based on one or more of the following criteria: it is a conservative change, it occurs at a poorly conserved position in the protein, it is predicted to be benign by multiple in silico algorithms, and/or has population frequency not consistent with disease.

Breakthrough Genomics
Classification: Likely benign. Review status: criteria provided, single submitter. Criteria: ACMG Guidelines, 2015. Collection method: not provided. Allele origin: germline. Inheritance: Autosomal dominant inheritance. Affected: yes.

NM_001378969.1(KCND3):c.1270-153G>C

Gene: KCND3 (potassium voltage-gated channel subfamily D member 3; minus strand). Cytogenetic location: 1p13.2.
Variant type: single nucleotide variant.
Coding change: c.1270-153G>C on transcript NM_001378969.1 (MANE Select); 153 bases into the intron before coding-DNA position 1270, G replaced by C.
Molecular consequence: intron variant.
Genome position (GRCh38, 1-based): chr1:111,780,944, C>G on the plus strand (G>C on the coding strand, the complement: KCND3 is on the minus strand). VCF-style: chr1-111780944-C-G. GRCh37 (hg19) VCF-style: chr1-112323566-C-G.
Other names: c.1270-153G>C (NM_001378970.1, NM_172198.3, NM_004980.5).
Identifiers: ClinVar variation 679659 (VCV000679659.2), dbSNP rs79167507, ClinGen allele CA28900696.